The following is an entry in ClinVar:

ClinVar aggregate classification (germline): Pathogenic (1 of 4 stars; one submission).

Conditions:
Familial thoracic aortic aneurysm and aortic dissection (TAAD). Also called: Thoracic aortic aneurysms and dissections. Identifiers: Orphanet 91387, MedGen C4707243, MONDO:0019625.
Marfan syndrome (MFS). Also called: Marfan syndrome type 1; Marfan's syndrome; Marfan syndrome, classic; MARFAN SYNDROME, TYPE I; FBN1-Related Marfan Syndrome. Identifiers: Orphanet 284963, Orphanet 558, MedGen C0024796, MONDO:0007947, OMIM 154700.

Submission:

Labcorp Genetics (formerly Invitae), Labcorp
Classification: Pathogenic for Marfan syndrome; Familial thoracic aortic aneurysm and aortic dissection. Last evaluated: 2020-11-18. Review status: criteria provided, single submitter. Criteria: Invitae Variant Classification Sherloc (09022015). Collection method: clinical testing. Allele origin: germline.
Comment: This sequence change creates a premature translational stop signal (p.Glu1325*) in the FBN1 gene. It is expected to result in an absent or disrupted protein product. Loss-of-function variants in FBN1 are known to be pathogenic (PMID: 17657824, 19293843). This variant is not present in population databases (ExAC no frequency). This variant has been observed in individual(s) with Marfan syndrome (PMID: 11175294). For these reasons, this variant has been classified as Pathogenic.

Literature cited by the submitters: PubMed 17657824; PubMed 19293843; PubMed 11175294.

NM_000138.5(FBN1):c.3973G>T (p.Glu1325Ter)

Gene: FBN1 (fibrillin 1; minus strand). Cytogenetic location: 15q21.1.
Variant type: single nucleotide variant.
Coding change: c.3973G>T on transcript NM_000138.5 (MANE Select); coding-DNA position 3973, G replaced by T.
Protein change: p.Glu1325Ter; replaces glutamic acid 1325 with a stop codon.
Molecular consequence: nonsense.
Genome position (GRCh38, 1-based): chr15:48,474,642, C>A on the plus strand (G>T on the coding strand, the complement: FBN1 is on the minus strand). VCF-style: chr15-48474642-C-A. GRCh37 (hg19) VCF-style: chr15-48766839-C-A.
Other names: short protein forms E1325*.
Identifiers: ClinVar variation 1073642 (VCV001073642.9), dbSNP rs2141280296, ClinGen allele CA392320649.